The following is an entry in ClinVar:

NM_000548.5(TSC2):c.2515A>C (p.Met839Leu)

Gene: TSC2 (TSC complex subunit 2; plus strand). Cytogenetic location: 16p13.3.
Variant type: single nucleotide variant.
Coding change: c.2515A>C on transcript NM_000548.5 (MANE Select); coding-DNA position 2515, A replaced by C.
Protein change: p.Met839Leu; replaces methionine 839 with leucine.
Molecular consequence: missense variant.
Genome position (GRCh38, 1-based): chr16:2,074,359, A>C. VCF-style: chr16-2074359-A-C. GRCh37 (hg19) VCF-style: chr16-2124360-A-C.
Other names: c.2515A>C, p.Met839Leu (NM_001077183.3, NM_001114382.3, NM_001363528.2 and 3 more transcripts); c.2404A>C, p.Met802Leu (NM_001318827.2); c.2368A>C, p.Met790Leu (NM_001318829.2); c.1915A>C, p.Met639Leu (NM_001318831.2); c.2548A>C, p.Met850Leu (NM_001318832.2); short protein forms M839L, M790L, M639L, M802L, M850L.
Identifiers: ClinVar variation 821387 (VCV000821387.16), dbSNP rs876660457, ClinGen allele CA394277906.
Genomic context (GRCh38, chr16:2,074,359, plus strand): 5'-ATCATCAAGGCGCTGCCTGTTCTGGTGGTGAAGCTCACGCACATCTCAGCCACAGCCAGC[A>C]TGGCCGTCCCACTGCTGGAGTTCCTGTCCAGTGAGTCCCCGCCCTGCCTGCGCATGCACC-3'
Protein context (NP_000539.2, residues 829-849): KLTHISATAS[Met839Leu]AVPLLEFLST

ClinVar aggregate classification (germline): Uncertain significance. Review status: criteria provided, multiple submitters, no conflicts (2 of 4 stars). 3 submissions from 3 submitters: Uncertain significance (3). Last evaluated 2021-11-07.

Conditions:
Hereditary cancer-predisposing syndrome. Also called: Hereditary Cancer Syndrome; Neoplastic Syndromes, Hereditary; Hereditary neoplastic syndrome; Tumor predisposition. Identifiers: Orphanet 140162, MedGen C0027672, MeSH D009386, MONDO:0015356.
Tuberous sclerosis 2 (TSC2). Identifiers: Orphanet 805, MedGen C1860707, MONDO:0013199, OMIM 613254.

Submissions (3):

Genome-Nilou Lab
Classification: Uncertain significance for Tuberous sclerosis 2. Last evaluated: 2021-11-07. Review status: criteria provided, single submitter. Criteria: ACMG Guidelines, 2015. Collection method: clinical testing. Allele origin: germline. Affected: no.

Ambry Genetics
Classification: Uncertain significance for Hereditary cancer-predisposing syndrome. Last evaluated: 2019-07-03. Review status: criteria provided, single submitter. Criteria: Ambry Variant Classification Scheme 2023. Collection method: clinical testing. Allele origin: germline.
Comment: The p.M839L variant (also known as c.2515A>C), located in coding exon 21 of the TSC2 gene, results from an A to C substitution at nucleotide position 2515. The methionine at codon 839 is replaced by leucine, an amino acid with highly similar properties. This amino acid position is highly conserved in available vertebrate species. In addition, this alteration is predicted to be deleterious by in silico analysis. Since supporting evidence is limited at this time, the clinical significance of this alteration remains unclear.

Labcorp Genetics (formerly Invitae), Labcorp
Classification: Uncertain significance for Tuberous sclerosis 2. Last evaluated: 2019-04-06. Review status: criteria provided, single submitter. Criteria: Invitae Variant Classification Sherloc (09022015). Collection method: clinical testing. Allele origin: germline.
Comment: This sequence change replaces methionine with leucine at codon 839 of the TSC2 protein (p.Met839Leu). The methionine residue is highly conserved and there is a small physicochemical difference between methionine and leucine. This variant is not present in population databases (ExAC no frequency). This variant has not been reported in the literature in individuals with TSC2-related conditions. Algorithms developed to predict the effect of missense changes on protein structure and function (SIFT, PolyPhen-2, Align-GVGD) all suggest that this variant is likely to be tolerated, but these predictions have not been confirmed by published functional studies and their clinical significance is uncertain. In summary, the available evidence is currently insufficient to determine the role of this variant in disease. Therefore, it has been classified as a Variant of Uncertain Significance.